The following is an entry in ClinVar:

ClinVar aggregate classification (germline): Uncertain significance (1 of 4 stars; one submission).

gnomAD v4.1: 1 of 1,614,080 alleles (0.000062%); highest among the groups gnomAD compares: Admixed American, 0.0017%; no homozygotes.

Submission:

GeneDx
Classification: Uncertain significance. Last evaluated: 2023-01-30. Review status: criteria provided, single submitter. Criteria: GeneDx Variant Classification Process June 2021. Collection method: clinical testing. Allele origin: germline. Affected: yes.
Comment: Not observed at significant frequency in large population cohorts (gnomAD); In silico analysis supports that this missense variant has a deleterious effect on protein structure/function; Has not been previously published as pathogenic or benign to our knowledge

NM_002156.5(HSPD1):c.47G>T (p.Arg16Met)

Gene: HSPD1 (heat shock protein family D (Hsp60) member 1; minus strand). Cytogenetic location: 2q33.1.
Variant type: single nucleotide variant.
Coding change: c.47G>T on transcript NM_002156.5 (MANE Select); coding-DNA position 47, G replaced by T.
Protein change: p.Arg16Met; replaces arginine 16 with methionine.
Molecular consequence: missense variant.
Genome position (GRCh38, 1-based): chr2:197,498,802, C>A on the plus strand (G>T on the coding strand, the complement: HSPD1 is on the minus strand). VCF-style: chr2-197498802-C-A. GRCh37 (hg19) VCF-style: chr2-198363526-C-A.
Other names: c.47G>T, p.Arg16Met (NM_199440.2); short protein forms R16M.
Identifiers: ClinVar variation 2574536 (VCV002574536.1), dbSNP rs776524890, ClinGen allele CA350204300.